The following is an entry in ClinVar:

ClinVar aggregate classification (germline): Likely pathogenic (1 of 4 stars; one submission).

Conditions:
Duchenne muscular dystrophy (DMD). Also called: MUSCULAR DYSTROPHY, PSEUDOHYPERTROPHIC PROGRESSIVE, DUCHENNE TYPE; Duchenne Muscular Dystrophy (DMD). Identifiers: Orphanet 98896, MedGen C0013264, MONDO:0010679, OMIM 310200.

Submission:

Laboratory of Medical Genetics, National & Kapodistrian University of Athens
Classification: Likely pathogenic for Duchenne muscular dystrophy. Last evaluated: 2022-12-16. Review status: criteria provided, single submitter. Criteria: ACMG Guidelines, 2015. Collection method: clinical testing. Allele origin: germline. Affected: yes.
Comment: PVS1,PM2

NM_004006.3(DMD):c.2566C>T (p.Gln856Ter)

Gene: DMD (dystrophin; minus strand). Cytogenetic location: Xp21.1.
Variant type: single nucleotide variant.
Coding change: c.2566C>T on transcript NM_004006.3 (MANE Select); coding-DNA position 2566, C replaced by T.
Protein change: p.Gln856Ter; replaces glutamine 856 with a stop codon.
Molecular consequence: nonsense.
Genome position (GRCh38, 1-based): chrX:32,491,333, G>A on the plus strand (C>T on the coding strand, the complement: DMD is on the minus strand). VCF-style: chrX-32491333-G-A. GRCh37 (hg19) VCF-style: chrX-32509450-G-A.
Other names: c.2542C>T, p.Gln848Ter (NM_000109.4); c.2554C>T, p.Gln852Ter (NM_004009.3); c.2197C>T, p.Gln733Ter (NM_004010.3); short protein forms Q733*, Q848*, Q852*, Q856*.
Identifiers: ClinVar variation 1806408 (VCV001806408.1), dbSNP rs2525049882, ClinGen allele CA412672017.
Genomic context (GRCh38, chrX:32,491,333, plus strand): 5'-TTACCTTACAAATTTTTAACTGACTTTTAATTGCTGTTGGCTCTGATGGGGTGGTGGGTT[G>A]GATTTTCAACCAGTTTTCAGCAGTAGTTGTCATCTGCTCCAATTGTTGTAGCTGATTATA-3'